The following is an entry in ClinVar:

ClinVar aggregate classification (germline): Uncertain significance (1 of 4 stars; one submission).

Conditions:
Episodic ataxia type 1 (EA1). Also called: ATAXIA, EPISODIC, WITH MYOKYMIA; Episodic ataxia/myokymia syndrome; MYOKYMIA WITH PERIODIC ATAXIA; PAROXYSMAL ATAXIA WITH NEUROMYOTONIA, HEREDITARY. Identifiers: Orphanet 37612, Orphanet 972, MedGen C1719788, MONDO:0008047, OMIM 160120.

Submission:

Labcorp Genetics (formerly Invitae), Labcorp
Classification: Uncertain significance for Episodic ataxia type 1. Last evaluated: 2023-11-01. Review status: criteria provided, single submitter. Criteria: Invitae Variant Classification Sherloc (09022015). Collection method: clinical testing. Allele origin: germline.
Comment: This sequence change replaces asparagine, which is neutral and polar, with serine, which is neutral and polar, at codon 252 of the KCNA1 protein (p.Asn252Ser). This variant is not present in population databases (gnomAD no frequency). This variant has not been reported in the literature in individuals affected with KCNA1-related conditions. ClinVar contains an entry for this variant (Variation ID: 1718502). Advanced modeling of protein sequence and biophysical properties (such as structural, functional, and spatial information, amino acid conservation, physicochemical variation, residue mobility, and thermodynamic stability) performed at Invitae indicates that this missense variant is not expected to disrupt KCNA1 protein function with a negative predictive value of 80%. In summary, the available evidence is currently insufficient to determine the role of this variant in disease. Therefore, it has been classified as a Variant of Uncertain Significance.

NM_000217.3(KCNA1):c.755A>G (p.Asn252Ser)

Gene: KCNA1 (potassium voltage-gated channel subfamily A member 1; plus strand). Cytogenetic location: 12p13.32.
Variant type: single nucleotide variant.
Coding change: c.755A>G on transcript NM_000217.3 (MANE Select); coding-DNA position 755, A replaced by G.
Protein change: p.Asn252Ser; replaces asparagine 252 with serine.
Molecular consequence: missense variant.
Genome position (GRCh38, 1-based): chr12:4,912,133, A>G. VCF-style: chr12-4912133-A-G. GRCh37 (hg19) VCF-style: chr12-5021299-A-G.
Other names: short protein forms N252S.
Identifiers: ClinVar variation 1718502 (VCV001718502.5), dbSNP rs2497353076, ClinGen allele CA383455262.
Genomic context (GRCh38, chr12:4,912,133, plus strand): 5'-TCTCCTTCGAGCTGGTGGTGCGCTTCTTCGCCTGCCCCAGCAAGACGGACTTCTTCAAAA[A>G]CATCATGAACTTCATAGACATTGTGGCCATCATTCCTTATTTCATCACGCTGGGCACCGA-3'
Protein context (NP_000208.2, residues 242-262): ACPSKTDFFK[Asn252Ser]IMNFIDIVAI